The following is an entry in ClinVar:

NM_001330260.2(SCN8A):c.5083A>G (p.Met1695Val)

Gene: SCN8A (sodium voltage-gated channel alpha subunit 8; plus strand). Cytogenetic location: 12q13.13.
Variant type: single nucleotide variant.
Coding change: c.5083A>G on transcript NM_001330260.2 (MANE Select); coding-DNA position 5083, A replaced by G.
Protein change: p.Met1695Val; replaces methionine 1695 with valine.
Molecular consequence: missense variant.
Genome position (GRCh38, 1-based): chr12:51,806,569, A>G. VCF-style: chr12-51806569-A-G. GRCh37 (hg19) VCF-style: chr12-52200353-A-G.
Other names: c.4960A>G, p.Met1654Val (NM_001177984.3, NM_001369788.1); c.5083A>G, p.Met1695Val (NM_014191.4); short protein forms M1654V, M1695V.
Identifiers: ClinVar variation 4527859 (VCV004527859.1).

ClinVar aggregate classification (germline): Uncertain significance (1 of 4 stars; one submission).

Submission:

GeneDx
Classification: Uncertain significance. Last evaluated: 2025-04-30. Review status: criteria provided, single submitter. Criteria: GeneDx Variant Classification Process June 2021. Collection method: clinical testing. Allele origin: germline. Affected: yes.
Comment: Not observed at significant frequency in large population cohorts (gnomAD); In silico analysis supports that this missense variant has a deleterious effect on protein structure/function; Has not been previously published as pathogenic or benign to our knowledge